The following is an entry in ClinVar:

NM_001353345.2(SETD1B):c.3571G>T (p.Glu1191Ter)

Gene: SETD1B (SET domain containing 1B, histone lysine methyltransferase; plus strand). Cytogenetic location: 12q24.31.
Variant type: single nucleotide variant.
Coding change: c.3571G>T on transcript NM_001353345.2 (MANE Select); coding-DNA position 3571, G replaced by T.
Protein change: p.Glu1191Ter; replaces glutamic acid 1191 with a stop codon.
Molecular consequence: nonsense.
Genome position (GRCh38, 1-based): chr12:121,819,556, G>T. VCF-style: chr12-121819556-G-T. GRCh37 (hg19) VCF-style: chr12-122257462-G-T.
Other names: short protein forms E1191*.
Identifiers: ClinVar variation 4279019 (VCV004279019.1).

ClinVar aggregate classification (germline): Pathogenic (1 of 4 stars; one submission).

Conditions:
Intellectual developmental disorder with seizures and language delay (IDDSELD). Identifiers: MedGen C5436574, MONDO:0033559, OMIM 619000.

Submission:

Institute of Human Genetics, University of Leipzig Medical Center
Classification: Pathogenic for Intellectual developmental disorder with seizures and language delay. Last evaluated: 2025-08-20. Review status: criteria provided, single submitter. Criteria: ACMG Guidelines, 2015. Collection method: clinical testing. Allele origin: unknown. Inheritance: Autosomal dominant inheritance. Affected: yes.
Comment: Criteria applied: PVS1,PM2